The following is an entry in ClinVar:

ClinVar aggregate classification (germline): Uncertain significance (1 of 4 stars; one submission).

Conditions:
Nemaline myopathy 2 (NEM2). Also called: Nemaline myopathy 2, autosomal recessive. Identifiers: MedGen C1850569, MONDO:0009725, OMIM 256030.

gnomAD v4.1: 1 of 1,604,838 alleles (0.000062%); highest among the groups gnomAD compares: Non-Finnish European, 0.000085%; no homozygotes.

Submission:

Labcorp Genetics (formerly Invitae), Labcorp
Classification: Uncertain significance for Nemaline myopathy 2. Last evaluated: 2022-09-01. Review status: criteria provided, single submitter. Criteria: Invitae Variant Classification Sherloc (09022015). Collection method: clinical testing. Allele origin: germline.
Comment: This sequence change replaces asparagine, which is neutral and polar, with serine, which is neutral and polar, at codon 6298 of the NEB protein (p.Asn6298Ser). This variant is not present in population databases (gnomAD no frequency). In summary, the available evidence is currently insufficient to determine the role of this variant in disease. Therefore, it has been classified as a Variant of Uncertain Significance. Algorithms developed to predict the effect of sequence changes on RNA splicing suggest that this variant may create or strengthen a splice site. Algorithms developed to predict the effect of missense changes on protein structure and function are either unavailable or do not agree on the potential impact of this missense change (SIFT: "Tolerated"; PolyPhen-2: "Not Available"; Align-GVGD: "Class C0"). ClinVar contains an entry for this variant (Variation ID: 953469). This variant has not been reported in the literature in individuals affected with NEB-related conditions.

NM_001164508.2(NEB):c.18893A>G (p.Asn6298Ser)

Gene: NEB (nebulin; minus strand). Cytogenetic location: 2q23.3.
Variant type: single nucleotide variant.
Coding change: c.18893A>G on transcript NM_001164508.2 (MANE Select); coding-DNA position 18893, A replaced by G.
Protein change: p.Asn6298Ser; replaces asparagine 6298 with serine.
Molecular consequence: missense variant.
Genome position (GRCh38, 1-based): chr2:151,562,213, T>C on the plus strand (A>G on the coding strand, the complement: NEB is on the minus strand). VCF-style: chr2-151562213-T-C. GRCh37 (hg19) VCF-style: chr2-152418727-T-C.
Other names: c.18893A>G, p.Asn6298Ser (NM_001164507.2, NM_001271208.2); c.13790A>G, p.Asn4597Ser (NM_004543.5); short protein forms N6298S, N4597S.
Identifiers: ClinVar variation 953469 (VCV000953469.9), dbSNP rs781054657, ClinGen allele CA348797190.